The following is an entry in ClinVar:

NM_014908.4(DOLK):c.304G>T (p.Ala102Ser)

Gene: DOLK (dolichol kinase; minus strand). Cytogenetic location: 9q34.11.
Variant type: single nucleotide variant.
Coding change: c.304G>T on transcript NM_014908.4 (MANE Select); coding-DNA position 304, G replaced by T.
Protein change: p.Ala102Ser; replaces alanine 102 with serine.
Molecular consequence: missense variant.
Genome position (GRCh38, 1-based): chr9:128,947,000, C>A on the plus strand (G>T on the coding strand, the complement: DOLK is on the minus strand). VCF-style: chr9-128947000-C-A. GRCh37 (hg19) VCF-style: chr9-131709279-C-A.
Other names: short protein forms A102S.
Identifiers: ClinVar variation 846119 (VCV000846119.1), dbSNP rs1841683982, ClinGen allele CA375126777.

ClinVar aggregate classification (germline): Uncertain significance (1 of 4 stars; one submission).

Conditions:
DK1-congenital disorder of glycosylation. Also called: DOLK-congenital disorder of glycosylation; Carbohydrate deficient glycoprotein syndrome type 1m; DK1-CDG; CONGENITAL DISORDER OF GLYCOSYLATION, TYPE Im; CDG Im; DK1 DEFICIENCY. Identifiers: Orphanet 91131, MedGen C1835849, MONDO:0012556, OMIM 610768.

gnomAD v4.1: 6 of 1,609,280 alleles (0.00037%); highest among the groups gnomAD compares: Non-Finnish European, 0.00051%; no homozygotes.

Submission:

Labcorp Genetics (formerly Invitae), Labcorp
Classification: Uncertain significance for Congenital disorder of glycosylation type 1M. Last evaluated: 2019-12-23. Review status: criteria provided, single submitter. Criteria: Invitae Variant Classification Sherloc (09022015). Collection method: clinical testing. Allele origin: germline.
Comment: This sequence change replaces alanine with serine at codon 102 of the DOLK protein (p.Ala102Ser). The alanine residue is moderately conserved and there is a moderate physicochemical difference between alanine and serine. This variant is not present in population databases (ExAC no frequency). This variant has not been reported in the literature in individuals with DOLK-related conditions. Algorithms developed to predict the effect of missense changes on protein structure and function (SIFT, PolyPhen-2, Align-GVGD) all suggest that this variant is likely to be tolerated, but these predictions have not been confirmed by published functional studies and their clinical significance is uncertain. In summary, the available evidence is currently insufficient to determine the role of this variant in disease. Therefore, it has been classified as a Variant of Uncertain Significance.